The following is an entry in ClinVar:

NM_001206744.2(TPO):c.2717C>T (p.Pro906Leu)

Genes: LALTOP (lung cancer associated lncRNA targeting TOP2A; minus strand), TPO (thyroid peroxidase; plus strand), LOC126806104 (CDK7 strongly-dependent group 2 enhancer GRCh37_chr2:1544276-1545475; plus strand). Cytogenetic location: 2p25.3.
Variant type: single nucleotide variant.
Coding change: c.2717C>T on transcript NM_001206744.2 (MANE Select); coding-DNA position 2717, C replaced by T.
Protein change: p.Pro906Leu; replaces proline 906 with leucine.
Molecular consequence: missense variant.
Genome position (GRCh38, 1-based): chr2:1,540,692, C>T. VCF-style: chr2-1540692-C-T. GRCh37 (hg19) VCF-style: chr2-1544464-C-T.
Other names: c.2717C>T, p.Pro906Leu (NM_000547.6); c.2546C>T, p.Pro849Leu (NM_001206745.2, NM_175719.4); c.2585C>T, p.Pro862Leu (NM_175721.3); c.2198C>T, p.Pro733Leu (NM_175722.3); short protein forms P906L, P849L, P862L, P733L.
Identifiers: ClinVar variation 331640 (VCV000331640.19), dbSNP rs138289170, ClinGen allele CA1512259.

ClinVar aggregate classification (germline): Conflicting classifications of pathogenicity. Review status: criteria provided, conflicting classifications (1 of 4 stars). 6 submissions from 6 submitters: Uncertain significance (1); Likely benign (5). Last evaluated 2026-06-05.

Conditions:
Deficiency of iodide peroxidase (TDH2A). Also called: THYROID HORMONOGENESIS, GENETIC DEFECT IN, 2A; THYROID PEROXIDASE DEFICIENCY; HYPOTHYROIDISM, CONGENITAL, DUE TO DYSHORMONOGENESIS, 2A; IODIDE PEROXIDASE DEFICIENCY; Thyroid dyshormonogenesis 2A. Identifiers: Orphanet 95716, MedGen C1291299, MONDO:0010133, OMIM 274500.
TPO-related disorder. Also called: TPO-related condition.

Allele frequency attached by ClinVar (database versions not stated): 1000 Genomes Project 0.00040; 1000 Genomes Project 30x 0.00047; ExAC 0.00218; TOPMed 0.00220; ESP Exome Variant Server 0.00231; gnomAD 0.00236 and 0.00239; gnomAD exomes 0.00246.

Submissions (6):

Women's Health and Genetics/Laboratory Corporation of America, LabCorp
Classification: Likely benign. Last evaluated: 2026-06-05. Review status: criteria provided, single submitter. Criteria: LabCorp Variant Classification Summary - May 2015. Collection method: clinical testing. Allele origin: germline.
Comment: Variant summary: TPO c.2717C>T (p.Pro906Leu) results in a non-conservative amino acid change in the encoded protein sequence. Algorithms developed to predict the effect of missense changes on protein structure and function are either unavailable or do not agree on the potential impact of this missense change. The variant allele was found at a frequency of 0.0024 in 281638 control chromosomes, predominantly at a frequency of 0.025 within the Ashkenazi Jewish subpopulation in the gnomAD database, including 2 homozygotes. The observed variant frequency within Non-Finnish European control individuals in the gnomAD database exceeds the estimated maximal expected allele frequency for disease-causing variants in TPO. To our knowledge, no occurrence of c.2717C>T in individuals affected with TPO-related conditions and no experimental evidence demonstrating its impact on protein function have been reported. ClinVar contains an entry for this variant (Variation ID: 331640). Based on the evidence outlined above, the variant was classified as likely benign.

CeGaT Center for Human Genetics Tuebingen
Classification: Likely benign. Last evaluated: 2026-03-01. Review status: criteria provided, single submitter. Criteria: CeGaT Center For Human Genetics Tuebingen Variant Classification Criteria Version 2. Collection method: clinical testing. Allele origin: germline. Affected: yes. Observed: 1 variant allele.
Comment: TPO: BP4

Labcorp Genetics (formerly Invitae), Labcorp
Classification: Likely benign. Last evaluated: 2026-01-27. Review status: criteria provided, single submitter. Criteria: Invitae Variant Classification Sherloc (09022015). Collection method: clinical testing. Allele origin: germline.

Blueprint Genetics
Classification: Likely benign. Last evaluated: 2024-11-21. Review status: criteria provided, single submitter. Criteria: ACMG Guidelines, 2015. Collection method: clinical testing. Allele origin: germline.

PreventionGenetics, part of Exact Sciences
Classification: Likely benign for TPO-related condition. Last evaluated: 2024-11-20. Review status: criteria provided, single submitter. Criteria: ACMG Guidelines, 2015. Collection method: clinical testing. Allele origin: germline.
Comment: This variant is classified as likely benign based on ACMG/AMP sequence variant interpretation guidelines (Richards et al. 2015 PMID: 25741868, with internal and published modifications).

Illumina Laboratory Services, Illumina
Classification: Uncertain significance for Deficiency of iodide peroxidase. Last evaluated: 2018-01-13. Review status: criteria provided, single submitter. Criteria: ICSL Variant Classification Criteria 13 December 2019. Collection method: clinical testing. Allele origin: germline.